The following is an entry in ClinVar:

ClinVar aggregate classification (germline): Uncertain significance (1 of 4 stars; one submission).

Conditions:
Arrhythmogenic cardiomyopathy with wooly hair and keratoderma. Also called: PALMOPLANTAR KERATODERMA WITH LEFT VENTRICULAR CARDIOMYOPATHY AND WOOLLY HAIR; Carvajal syndrome; Dilated cardiomyopathy with woolly hair and keratoderma; Arrhythmogenic cardiomyopathy with woolly hair and keratoderma. Identifiers: Orphanet 65282, MedGen C1854063, MONDO:0011581, OMIM 605676.

Submission:

All of Us Research Program, National Institutes of Health
Classification: Uncertain significance for Arrhythmogenic cardiomyopathy with wooly hair and keratoderma. Last evaluated: 2023-06-27. Review status: criteria provided, single submitter. Criteria: ACMG Guidelines, 2015. Collection method: clinical testing. Allele origin: germline. Inheritance: Autosomal dominant inheritance. Observed: 1 variant allele, 1 heterozygote.
Comment: This study involves interpretation of variants in research participants for the purpose of population health screening. Participant phenotype was not available at the time of variant classification. Additional details can be found in publication PMID: 35346344, PMCID: PMC8962531

NM_004415.4(DSP):c.820A>C (p.Asn274His)

Gene: DSP (desmoplakin; plus strand). Cytogenetic location: 6p24.3.
Variant type: single nucleotide variant.
Coding change: c.820A>C on transcript NM_004415.4 (MANE Select); coding-DNA position 820, A replaced by C.
Protein change: p.Asn274His; replaces asparagine 274 with histidine.
Molecular consequence: missense variant.
Genome position (GRCh38, 1-based): chr6:7,565,401, A>C. VCF-style: chr6-7565401-A-C. GRCh37 (hg19) VCF-style: chr6-7565634-A-C.
Other names: c.820A>C, p.Asn274His (NM_001008844.3, NM_001319034.2, NM_001406591.1); short protein forms N274H.
Identifiers: ClinVar variation 3071469 (VCV003071469.1), dbSNP rs1182572304, ClinGen allele CA362674151.